The following is an entry in ClinVar:

NM_007118.4(TRIO):c.4311del (p.Glu1438fs)

Gene: TRIO (trio Rho guanine nucleotide exchange factor; plus strand). Cytogenetic location: 5p15.2.
Variant type: Deletion.
Coding change: c.4311del on transcript NM_007118.4 (MANE Select); coding-DNA position 4311, one base deleted (A; older notation c.4311delA).
Protein change: p.Glu1438fs; shifts the reading frame from glutamic acid 1438.
Molecular consequence: frameshift variant. On other transcripts: non-coding transcript variant (1).
Genome position (GRCh38, 1-based): chr5:14,394,130, A deleted; the last of 4 consecutive A bases (chr5:14,394,127-14,394,130); deleting any one gives the same sequence. VCF-style (leftmost placement, unchanged base first): chr5-14394126-TA-T. GRCh37 (hg19) VCF-style: chr5-14394235-TA-T.
Other names: short protein forms E1438fs.
Identifiers: ClinVar variation 4840250 (VCV004840250.1).

ClinVar aggregate classification (germline): Pathogenic (1 of 4 stars; one submission).

Conditions:
Inborn genetic diseases. Identifiers: MedGen C0950123, MeSH D030342.

Submission:

Ambry Genetics
Classification: Pathogenic for Inborn genetic diseases. Last evaluated: 2026-03-03. Review status: criteria provided, single submitter. Criteria: Ambry Variant Classification Scheme 2023. Collection method: clinical testing. Allele origin: germline.
Comment: The c.4311delA (p.E1438Sfs*3) alteration, located in exon 28 (coding exon 28) of the TRIO gene, consists of a deletion of one nucleotide at position 4311, causing a translational frameshift with a predicted alternate stop codon after 3 amino acids. This variant is expected to result in loss of function by premature protein truncation or nonsense-mediated mRNA decay. for TRIO-related neurodevelopmental disorder with microcephaly; however, it is unlikely to be causative of TRIO-related neurodevelopmental disorder with macrocephaly. This variant was not reported in population-based cohorts in the Genome Aggregation Database (gnomAD). Based on the available evidence, this alteration is classified as pathogenic.